The following is an entry in ClinVar:

ClinVar aggregate classification (germline): Uncertain significance (1 of 4 stars; one submission).

Submission:

Labcorp Genetics (formerly Invitae), Labcorp
Classification: Uncertain significance. Last evaluated: 2022-11-10. Review status: criteria provided, single submitter. Criteria: Invitae Variant Classification Sherloc (09022015). Collection method: clinical testing. Allele origin: germline.
Comment: This variant has not been reported in the literature in individuals affected with ZNF469-related conditions. This variant is not present in population databases (gnomAD no frequency). This sequence change replaces glutamine, which is neutral and polar, with lysine, which is basic and polar, at codon 3028 of the ZNF469 protein (p.Gln3028Lys). Algorithms developed to predict the effect of missense changes on protein structure and function (SIFT, PolyPhen-2, Align-GVGD) all suggest that this variant is likely to be tolerated. In summary, the available evidence is currently insufficient to determine the role of this variant in disease. Therefore, it has been classified as a Variant of Uncertain Significance.

NM_001367624.2(ZNF469):c.9166C>A (p.Gln3056Lys)

Gene: ZNF469 (zinc finger protein 469; plus strand). Cytogenetic location: 16q24.2.
Variant type: single nucleotide variant.
Coding change: c.9166C>A on transcript NM_001367624.2 (MANE Select); coding-DNA position 9166, C replaced by A.
Protein change: p.Gln3056Lys; replaces glutamine 3056 with lysine.
Molecular consequence: missense variant.
Genome position (GRCh38, 1-based): chr16:88,436,636, C>A. VCF-style: chr16-88436636-C-A. GRCh37 (hg19) VCF-style: chr16-88503044-C-A.
Other names: short protein forms Q3056K.
Identifiers: ClinVar variation 2811821 (VCV002811821.3), dbSNP rs1906598145, ClinGen allele CA397121089.
Genomic context (GRCh38, chr16:88,436,636, plus strand): 5'-ACCCACCTGCTGCCGCTCCGTGCCACGGACTTTGAGGTGCTCAGCACCAAGTTTGAGATG[C>A]AAGACCTGTGCTTTCTGGGACCCTTTGAAGACCCCGTGGGTCTCCCCGGCCCCAGCTTCT-3'
Protein context (NP_001354553.1, residues 3046-3066): FEVLSTKFEM[Gln3056Lys]DLCFLGPFED